The following is an entry in ClinVar:

ClinVar aggregate classification (germline): Pathogenic. Review status: criteria provided, multiple submitters, no conflicts (2 of 4 stars). 2 submissions from 2 submitters: Pathogenic (2). Last evaluated 2023-12-17.

Conditions:
Autosomal recessive limb-girdle muscular dystrophy type 2F (LGMDR6). Also called: MUSCULAR DYSTROPHY, LIMB-GIRDLE, AUTOSOMAL RECESSIVE 6; Muscular dystrophy limb-girdle with delta-sarcoglyan deficiency. Identifiers: Orphanet 219, MedGen C1832525, MONDO:0011028, OMIM 601287. Disease mechanism: Affects gamma-sarcoglycan and also disrupts the integrity of the entire sarcoglycan complex..

Submissions (2):

Myriad Genetics, Inc.
Classification: Pathogenic for Autosomal recessive limb-girdle muscular dystrophy type 2F. Last evaluated: 2023-12-17. Review status: criteria provided, single submitter. Criteria: Myriad Autosomal Dominant, Autosomal Recessive and X-Linked Classification Criteria (2023). Collection method: clinical testing. Allele origin: unknown.
Comment: NM_000337.5(SGCD):c.443T>A(L148*) is expected to be pathogenic in the context of delta-sarcoglycanopathy. This variant is predicted to lead to an abnormal or absent protein product due to the creation of a premature termination codon in SGCD, a gene where loss-of-function variants are known to be pathogenic. Please note: this variant was assessed in the context of healthy population screening.

Eurofins Ntd Llc (ga)
Classification: Pathogenic. Last evaluated: 2016-03-16. Review status: criteria provided, single submitter. Criteria: EGL Classification Definitions 2015. Collection method: clinical testing. Allele origin: germline. Observed: 1 variant allele, 1 heterozygote.

NM_000337.6(SGCD):c.443T>A (p.Leu148Ter)

Gene: SGCD (sarcoglycan delta; plus strand). Cytogenetic location: 5q33.3.
Variant type: single nucleotide variant.
Coding change: c.443T>A on transcript NM_000337.6 (MANE Select); coding-DNA position 443, T replaced by A.
Protein change: p.Leu148Ter; replaces leucine 148 with a stop codon.
Molecular consequence: nonsense.
Genome position (GRCh38, 1-based): chr5:156,594,992, T>A. VCF-style: chr5-156594992-T-A. GRCh37 (hg19) VCF-style: chr5-156022002-T-A.
Other names: c.440T>A, p.Leu147Ter (NM_001128209.2); c.443T>A, p.Leu148Ter (NM_172244.3); short protein forms L148*, L147*.
Identifiers: ClinVar variation 286720 (VCV000286720.6), dbSNP rs886043460, ClinGen allele CA10605547.
Genomic context (GRCh38, chr5:156,594,992, plus strand): 5'-GTCCAAAAGCCGTAGAAGCTTATGGTAAAAAATTTGAGGTAAAAACTGTTTCTGGAAAAT[T>A]GCTCTTCTCTGCAGACAATAATGAAGTGGTAGTAGGAGCTGAAAGATTACGAGTTTTAGG-3'